The following is an entry in ClinVar:

ClinVar aggregate classification (germline): Uncertain significance (1 of 4 stars; one submission).

gnomAD v4.1: 70 of 1,612,248 alleles (0.0043%); highest among the groups gnomAD compares: South Asian, 0.073%; no homozygotes.

Submission:

Ambry Genetics
Classification: Uncertain significance. Last evaluated: 2025-11-12. Review status: criteria provided, single submitter. Criteria: Ambry Variant Classification Scheme 2023. Collection method: clinical testing. Allele origin: germline.
Comment: The c.1576G>T (p.A526S) alteration is located in exon 11 (coding exon 11) of the ADGRA2 gene. This alteration results from a G to T substitution at nucleotide position 1576, causing the alanine (A) at amino acid position 526 to be replaced by a serine (S). Based on data from gnomAD, the T allele has an overall frequency of 0.005% (13/244802) total alleles studied. The highest observed frequency was 0.043% (13/30516) of South Asian alleles. Based on insufficient or conflicting evidence, the clinical significance of this alteration remains unclear.

NM_032777.10(ADGRA2):c.1576G>T (p.Ala526Ser)

Gene: ADGRA2 (adhesion G protein-coupled receptor A2; plus strand). Cytogenetic location: 8p11.23.
Variant type: single nucleotide variant.
Coding change: c.1576G>T on transcript NM_032777.10 (MANE Select); coding-DNA position 1576, G replaced by T.
Protein change: p.Ala526Ser; replaces alanine 526 with serine.
Molecular consequence: missense variant.
Genome position (GRCh38, 1-based): chr8:37,834,096, G>T. VCF-style: chr8-37834096-G-T. GRCh37 (hg19) VCF-style: chr8-37691614-G-T.
Other names: short protein forms A526S.
Identifiers: ClinVar variation 4638108 (VCV004638108.1).
Genomic context (GRCh38, chr8:37,834,096, plus strand): 5'-CAGCGCGAGGACAAGGCCTGCAGCCGCATCGTGGGTGCCCTGGAGCGCATTGGGGGGGCC[G>T]CCCTCAGCCCCCATGCCCAGCACATCTCAGTGGTAATGGGGGTCAGCAGAGGGGGTGGCC-3'
Protein context (NP_116166.9, residues 516-536): VGALERIGGA[Ala526Ser]LSPHAQHISV